The following is an entry in ClinVar:

ClinVar aggregate classification (germline): Uncertain significance (1 of 4 stars; one submission).

Allele frequency attached by ClinVar (database versions not stated): gnomAD exomes below 0.00001.
gnomAD v4.1: 2 of 1,613,942 alleles (0.00012%); highest among the groups gnomAD compares: Non-Finnish European, 0.00017%; no homozygotes.

Submission:

CeGaT Center for Human Genetics Tuebingen
Classification: Uncertain significance. Last evaluated: 2024-06-01. Review status: criteria provided, single submitter. Criteria: CeGaT Center For Human Genetics Tuebingen Variant Classification Criteria Version 2. Collection method: clinical testing. Allele origin: germline. Affected: yes. Observed: 1 variant allele.
Comment: ADGRV1: PM2, BP4

NM_032119.4(ADGRV1):c.870T>G (p.Asn290Lys)

Gene: ADGRV1 (adhesion G protein-coupled receptor V1; plus strand). Cytogenetic location: 5q14.3.
Variant type: single nucleotide variant.
Coding change: c.870T>G on transcript NM_032119.4 (MANE Select); coding-DNA position 870, T replaced by G.
Protein change: p.Asn290Lys; replaces asparagine 290 with lysine.
Molecular consequence: missense variant. On other transcripts: non-coding transcript variant (1).
Genome position (GRCh38, 1-based): chr5:90,627,408, T>G. VCF-style: chr5-90627408-T-G. GRCh37 (hg19) VCF-style: chr5-89923225-T-G.
Other names: short protein forms N290K.
Identifiers: ClinVar variation 3251101 (VCV003251101.18), dbSNP rs2531810447.